The following is an entry in ClinVar:

NM_001347721.2(DYRK1A):c.11-16394C>T

Gene: DYRK1A (dual specificity tyrosine phosphorylation regulated kinase 1A; plus strand). Cytogenetic location: 21q22.13.
Variant type: single nucleotide variant.
Coding change: c.11-16394C>T on transcript NM_001347721.2 (MANE Select); 16394 bases into the intron before coding-DNA position 11, C replaced by T.
Molecular consequence: intron variant.
Genome position (GRCh38, 1-based): chr21:37,456,290, C>T. VCF-style: chr21-37456290-C-T. GRCh37 (hg19) VCF-style: chr21-38828592-C-T.
Other names: c.11-16394C>T (NM_001396.5, NM_001347722.2, NM_101395.2 and 2 more transcripts); c.-77-16394C>T (NM_001347723.2).
Identifiers: ClinVar variation 2652654 (VCV002652654.24), dbSNP rs191135547, ClinGen allele CA320460474.

ClinVar aggregate classification (germline): Likely benign (1 of 4 stars; one submission).

Allele frequency attached by ClinVar (database versions not stated): 1000 Genomes Project 30x 0.00078; 1000 Genomes Project 0.00080; gnomAD 0.00110; TOPMed 0.00114.

Submission:

CeGaT Center for Human Genetics Tuebingen
Classification: Likely benign. Last evaluated: 2023-07-01. Review status: criteria provided, single submitter. Criteria: CeGaT Center For Human Genetics Tuebingen Variant Classification Criteria Version 2. Collection method: clinical testing. Allele origin: germline. Affected: yes. Observed: 1 variant allele.
Comment: DYRK1A: BS1